The following is an entry in ClinVar:

NM_001271208.2(NEB):c.22378del

Genes: RIF1 (replication timing regulatory factor 1; plus strand), NEB (nebulin; minus strand). Cytogenetic location: 2q23.3.
Variant type: Deletion.
Coding change: c.22378del on transcript NM_001271208.2; coding-DNA position 22378, one base deleted (G; older notation c.22378delG).
Molecular consequence: splice acceptor variant.
Genome position (GRCh38, 1-based): chr2:151,524,616, C deleted on the plus strand (G on the coding strand, the reverse complement: NEB is on the minus strand); the first of 2 consecutive C bases (chr2:151,524,616-151,524,617); deleting either gives the same sequence. VCF-style (leftmost placement, unchanged base first): chr2-151524615-AC-A. GRCh37 (hg19) VCF-style: chr2-152381129-AC-A.
Identifiers: ClinVar variation 3233270 (VCV003233270.2), dbSNP rs2552108882.

ClinVar aggregate classification (germline): Pathogenic (1 of 4 stars; one submission).

Conditions:
Nemaline myopathy. Also called: Myopathies, Nemaline. Identifiers: Orphanet 607, MedGen C0206157, MONDO:0018958.

Submission:

Muscle and Diseases Team, Institut de Génétique et Biologie Moléculaire et Cellulaire
Classification: Pathogenic for Nemaline myopathy. Last evaluated: 2024-03-01. Review status: criteria provided, single submitter. Criteria: ACMG Guidelines, 2015. Collection method: research. Allele origin: paternal. Affected: yes. Observed: 1 variant allele.
Comment: PVS1+PS3+PM1+PM2+PP3

Literature cited by the submitters: DOI 10.1186/s13073-024-01353-0; PubMed 25205138; PubMed 24725366.